The following is an entry in ClinVar:

NM_018052.5(VAC14):c.2228C>T (p.Ser743Phe)

Gene: VAC14 (VAC14 component of PIKFYVE complex; minus strand). Cytogenetic location: 16q22.1.
Variant type: single nucleotide variant.
Coding change: c.2228C>T on transcript NM_018052.5 (MANE Select); coding-DNA position 2228, C replaced by T.
Protein change: p.Ser743Phe; replaces serine 743 with phenylalanine.
Molecular consequence: missense variant.
Genome position (GRCh38, 1-based): chr16:70,688,049, G>A on the plus strand (C>T on the coding strand, the complement: VAC14 is on the minus strand). VCF-style: chr16-70688049-G-A. GRCh37 (hg19) VCF-style: chr16-70721952-G-A.
Other names: c.1526C>T, p.Ser509Phe (NM_001351157.2); short protein forms S743F, S509F.
Identifiers: ClinVar variation 2132803 (VCV002132803.4), dbSNP rs375339607, ClinGen allele CA396586607.
Genomic context (GRCh38, chr16:70,688,049, plus strand): 5'-AGGTGCTTGTTCTGGACCTTCTCAAAGTGCTGCAGCAGCTCTGCGTAGTCGATGCTAGGG[G>A]AGTCAGCTTTCTGGGACTTGGGGGCTGCCTTTAGACTGTCTCTGGGAAGAGGGAGCAGAA-3'
Protein context (NP_060522.3, residues 733-753): KAAPKSQKAD[Ser743Phe]PSIDYAELLQ

ClinVar aggregate classification (germline): Uncertain significance (1 of 4 stars; one submission).

Submission:

Labcorp Genetics (formerly Invitae), Labcorp
Classification: Uncertain significance. Last evaluated: 2022-05-03. Review status: criteria provided, single submitter. Criteria: Invitae Variant Classification Sherloc (09022015). Collection method: clinical testing. Allele origin: germline.
Comment: In summary, the available evidence is currently insufficient to determine the role of this variant in disease. Therefore, it has been classified as a Variant of Uncertain Significance. Algorithms developed to predict the effect of missense changes on protein structure and function (SIFT, PolyPhen-2, Align-GVGD) all suggest that this variant is likely to be tolerated. This variant has not been reported in the literature in individuals affected with VAC14-related conditions. This variant is not present in population databases (gnomAD no frequency). This sequence change replaces serine, which is neutral and polar, with phenylalanine, which is neutral and non-polar, at codon 743 of the VAC14 protein (p.Ser743Phe).